The following is an entry in ClinVar:

NC_000005.10:g.(?_149040594)_(149040687_?)del

Gene: SH3TC2 (SH3 domain and tetratricopeptide repeats 2; minus strand). Cytogenetic location: 5q32.
Variant type: Deletion.
Identifiers: ClinVar variation 832090 (VCV000832090.1).

ClinVar aggregate classification (germline): Pathogenic (1 of 4 stars; one submission).

Conditions:
Charcot-Marie-Tooth disease type 4. Also called: Charcot-Marie-Tooth disease, type IV; Charcot-Marie-Tooth, Type 4. Identifiers: Orphanet 64749, MedGen C4082197, MONDO:0018995.

Submission:

Labcorp Genetics (formerly Invitae), Labcorp
Classification: Pathogenic for Charcot-Marie-Tooth disease type 4. Last evaluated: 2019-08-26. Review status: criteria provided, single submitter. Criteria: Invitae Variant Classification Sherloc (09022015). Collection method: clinical testing. Allele origin: germline.
Comment: This variant is an out-of-frame deletion of the genomic region encompassing exon 7 of the SH3TC2 gene. This is expected to create a premature translational stop signal and result in an absent or disrupted protein product. This variant has not been reported in the literature in individuals with SH3TC2-related conditions. Loss-of-function variants in SH3TC2 are known to be pathogenic (PMID: 20220177, 27068304). For these reasons, this variant has been classified as Pathogenic.